The following is an entry in ClinVar:

ClinVar aggregate classification (germline): Uncertain significance. Review status: reviewed by expert panel (3 of 4 stars). 12 submissions from 12 submitters: Uncertain significance (1). 11 of the submissions do not count toward it. Last evaluated 2021-05-06.

Conditions:
Progressive sclerosing poliodystrophy (MTDPS4A). Also called: Alpers Syndrome; ALPERS DIFFUSE DEGENERATION OF CEREBRAL GRAY MATTER WITH HEPATIC CIRRHOSIS; Alpers-Huttenlocher Syndrome; Alpers-Huttenlocher Syndrome (AHS); NEURONAL DEGENERATION OF CHILDHOOD WITH LIVER DISEASE, PROGRESSIVE; ALPERS PROGRESSIVE INFANTILE POLIODYSTROPHY. Identifiers: Orphanet 726, MedGen C0205710, MONDO:0008758, OMIM 203700.
Mitochondrial disease. Also called: Mitochondrial disorders; Mitochondrial disorder. Identifiers: Orphanet 68380, MedGen C0751651, MeSH D028361, MONDO:0044970.
Inborn genetic diseases. Identifiers: MedGen C0950123, MeSH D030342.
POLG-related disorder. Also called: POLG-Related Spectrum Disorders; POLG-related condition; POLG-Related Disorders. Identifiers: MedGen C4763519.

Allele frequency attached by ClinVar (database versions not stated): gnomAD 0.00735 and 0.00787; 1000 Genomes Project 0.00739; 1000 Genomes Project 30x 0.00796; TOPMed 0.00828; ESP Exome Variant Server 0.00862.

Submissions (12):

ClinGen Mitochondrial Disease Nuclear and Mitochondrial  Variant Curation Expert Panel, ClinGen
Classification: Uncertain significance for Mitochondrial disease. Last evaluated: 2021-05-06. Review status: reviewed by expert panel. Criteria: clingen mito disease acmg specifications v1-1. Collection method: curation. Allele origin: germline. Inheritance: Autosomal recessive inheritance.
Comment: The c.3561 G>C (p.Arg1187=) variant in POLG is present in population databases 1000 genome 0.03%, ExAC at 0.002%, and gnomAD at 0.002% (PM2; observed < 0.05% frequency). Computational prediction tool Revel unavailable given limited data. This variant was observed in homozygotes in 13 cases in gnomAD and 1 case in ExAC (BS2). This variant is a coding synonymous change (BP7). In summary, there is not sufficient evidence to characterize this variant as pathogenic or benign, therefore it is characterized as a variant of uncertain significance for primary mitochondrial disease inherited in a autosomal recessive manner. ntDNA Mitochondrial ACMG-AMP Criteria for POLG applied: BS2, PM2, BP7.

Labcorp Genetics (formerly Invitae), Labcorp
Classification: Benign for Progressive sclerosing poliodystrophy. Last evaluated: 2026-02-04. Review status: criteria provided, single submitter. Criteria: Invitae Variant Classification Sherloc (09022015). Collection method: clinical testing. Allele origin: germline. Not counted in ClinVar's aggregate classification.

Blueprint Genetics
Classification: Likely benign. Last evaluated: 2024-10-18. Review status: criteria provided, single submitter. Criteria: ACMG Guidelines, 2015. Collection method: clinical testing. Allele origin: germline. Not counted in ClinVar's aggregate classification.

Mendelics
Classification: Likely benign for Progressive sclerosing poliodystrophy. Last evaluated: 2024-01-30. Review status: criteria provided, single submitter. Criteria: ACMG Guidelines, 2015. Collection method: clinical testing. Allele origin: unknown. Not counted in ClinVar's aggregate classification.

Mayo Clinic Laboratories, Mayo Clinic
Classification: Benign. Last evaluated: 2022-08-11. Review status: criteria provided, single submitter. Criteria: ACMG Guidelines, 2015. Collection method: clinical testing. Allele origin: germline. Observed: 29 variant alleles. Not counted in ClinVar's aggregate classification.
Comment: BA1, BP4, BP7

Athena Diagnostics
Classification: Benign. Last evaluated: 2019-05-21. Review status: criteria provided, single submitter. Criteria: Athena Diagnostics Criteria. Collection method: clinical testing. Allele origin: germline. Not counted in ClinVar's aggregate classification.

Wong Mito Lab, Molecular and Human Genetics, Baylor College of Medicine
Classification: Benign for Progressive sclerosing poliodystrophy. Last evaluated: 2018-10-01. Review status: criteria provided, single submitter. Criteria: ACMG Guidelines, 2015. Collection method: clinical testing. Allele origin: germline. Not counted in ClinVar's aggregate classification.
Comment: The NM_002693.2:c.3561G>C (NP_002684.1:p.Arg1187=) [GRCH38: NC_000015.10:g.89317458C>G] variant in POLG gene is interpretated to be a Benign based on ACMG guidelines (PMID: 25741868). This variant meets the following evidence codes reported in the ACMG-guideline. BS1:The minor allele frequency of this allele is high for Mitochondrial DNA depletion syndrome 4A (Alpers type). BS2:Observation of the variant in controls is inconsistent with penetrance of Mitochondrial DNA depletion syndrome 4A (Alpers type). BP4:Computational evidence/predictors indicate no impact on the POLG structure, function, or protein-protein interaction. BP7:The variant is silent with non predicted splice impact. Based on the evidence criteria codes applied, the variant is suggested to be Benign.

Illumina Laboratory Services, Illumina
Classification: Likely benign for POLG-Related Spectrum Disorders. Last evaluated: 2018-01-13. Review status: criteria provided, single submitter. Criteria: ICSL Variant Classification Criteria 13 December 2019. Collection method: clinical testing. Allele origin: germline. Not counted in ClinVar's aggregate classification.
Comment: This variant was observed in the ICSL laboratory as part of a predisposition screen in an ostensibly healthy population. It had not been previously curated by ICSL or reported in the Human Gene Mutation Database (HGMD: prior to June 1st, 2018), and was therefore a candidate for classification through an automated scoring system. Utilizing variant allele frequency, disease prevalence and penetrance estimates, and inheritance mode, an automated score was calculated to assess if this variant is too frequent to cause the disease. Based on the score and internal cut-off values, a variant classified as likely benign is not then subjected to further curation. The score for this variant resulted in a classification of likely benign for this disease.

Ambry Genetics
Classification: Benign for Inborn genetic diseases. Last evaluated: 2016-07-28. Review status: criteria provided, single submitter. Criteria: Ambry Variant Classification Scheme 2023. Collection method: clinical testing. Allele origin: germline. Not counted in ClinVar's aggregate classification.

GeneDx
Classification: Benign. Last evaluated: 2013-10-22. Review status: criteria provided, single submitter. Criteria: GeneDx Variant Classification (06012015). Collection method: clinical testing. Allele origin: germline. Affected: yes. Not counted in ClinVar's aggregate classification.
Comment: This variant is considered likely benign or benign based on one or more of the following criteria: it is a conservative change, it occurs at a poorly conserved position in the protein, it is predicted to be benign by multiple in silico algorithms, and/or has population frequency not consistent with disease.

PreventionGenetics, part of Exact Sciences
Classification: Likely benign. Review status: criteria provided, single submitter. Criteria: ACMG Guidelines, 2015. Collection method: clinical testing. Allele origin: germline. Not counted in ClinVar's aggregate classification.

Genetic Services Laboratory, University of Chicago
Classification: Likely benign for AllHighlyPenetrant. Review status: no assertion criteria provided. Collection method: clinical testing. Allele origin: germline. Inheritance: Autosomal recessive inheritance. Not counted in ClinVar's aggregate classification.
Comment: Likely benign based on allele frequency in 1000 Genomes Project or ESP global frequency and its presence in a patient with a rare or unrelated disease phenotype. NOT Sanger confirmed.

NM_002693.3(POLG):c.3561G>C (p.Arg1187=)

Gene: POLG (DNA polymerase gamma, catalytic subunit; minus strand). Cytogenetic location: 15q26.1.
Variant type: single nucleotide variant.
Coding change: c.3561G>C on transcript NM_002693.3 (MANE Select); coding-DNA position 3561, G replaced by C.
Protein change: p.Arg1187=; no amino-acid change (arginine 1187 retained).
Molecular consequence: synonymous variant.
Genome position (GRCh38, 1-based): chr15:89,317,458, C>G on the plus strand (G>C on the coding strand, the complement: POLG is on the minus strand). VCF-style: chr15-89317458-C-G. GRCh37 (hg19) VCF-style: chr15-89860689-C-G.
Other names: p.R1187R:CGG>CGC; NM_002693.2(POLG):c.3561G>C; p.Arg1187=; c.3561G>C, p.Arg1187= (NM_001126131.2).
Identifiers: ClinVar variation 129997 (VCV000129997.30), dbSNP rs62640037, ClinGen allele CA288989.
Genomic context (GRCh38, chr15:89,317,458, plus strand): 5'-TTCCATCCCAGTTGGGTTGGAAGGGGTTTTACAATCCATGGTCACTTCCTTCCTGAGGCA[C>G]CGGTCAATATCGACTGCACTGAAAAAGGCGACTGACTGGGGCAAGTCATTCAGACCCAGC-3'
Protein context (NP_002684.1, residues 1177-1197): VAFFSAVDID[Arg1187=]CLRKEVTMDC